The following is an entry in ClinVar:

ClinVar aggregate classification (germline): Pathogenic (1 of 4 stars; one submission).

Conditions:
Polycystic kidney disease, adult type (PKD1). Also called: Polycystic Kidney, Autosomal Dominant; POLYCYSTIC KIDNEY DISEASE 1 WITH OR WITHOUT POLYCYSTIC LIVER DISEASE; POLYCYSTIC KIDNEY DISEASE, ADULT, TYPE I; Polycystic Kidney Disease 1, Autosomal Dominant; Polycystic kidney disease 1; Polycystic kidney disease 1, severe. Identifiers: MedGen C3149841, MONDO:0008263, OMIM 173900.

Submission:

Juno Genomics, Hangzhou Juno Genomics, Inc
Classification: Pathogenic for Polycystic kidney disease, adult type. Review status: criteria provided, single submitter. Criteria: ACMG Guidelines, 2015. Collection method: clinical testing. Allele origin: germline. Affected: yes.
Comment: Absent from controls (or at extremely low frequency if recessive) in Genome Aggregation Database, Exome Sequencing Project, 1000 Genomes Project, or Exome Aggregation Consortium.;Null variant in a gene where loss of function (LOF) is a known mechanism of disease.;Patient's phenotype or family history is highly specific for a disease with a single genetic etiology.

NM_001009944.3(PKD1):c.8290_8293dup (p.Arg2765fs)

Gene: PKD1 (polycystin 1, transient receptor potential channel interacting; minus strand). Cytogenetic location: 16p13.3.
Variant type: Duplication.
Coding change: c.8290_8293dup on transcript NM_001009944.3 (MANE Select); coding-DNA positions 8290 to 8293, 4 bases duplicated (ATGC; older notation c.8290_8293dupATGC).
Protein change: p.Arg2765fs; shifts the reading frame from arginine 2765.
Molecular consequence: frameshift variant.
Genome position (GRCh38, 1-based): chr16:2,103,764-2,103,767, GCAT duplicated on the plus strand (ATGC on the coding strand, the reverse complement: PKD1 is on the minus strand); duplicating any 4 consecutive bases within chr16:2,103,764-2,103,768 gives the same sequence; the c. name uses the placement nearest the transcript's 3' end. VCF-style (leftmost placement, unchanged base first): chr16-2103763-C-CGCAT. GRCh37 (hg19) VCF-style: chr16-2153764-C-CGCAT.
Other names: c.8290_8293dup, p.Arg2765fs (NM_000296.4); short protein forms R2765fs.
Identifiers: ClinVar variation 3335819 (VCV003335819.2).
Genomic context (GRCh38, chr16:2,103,763, plus strand): 5'-CCCTGGGCCACGATCTCCTCGCCCGCCAGCGTCAGGGGCTCCTCGTTGAGCACGCGGGAG[C>CGCAT]GCATGAGGATGCGCATGAGGGCAGAGGTCAGGTTGTAGGCCTGGGACGCCACCATCCGAG-3'